The following is an entry in ClinVar:

ClinVar aggregate classification (germline): Likely benign (0 of 4 stars; one submission).

Conditions:
NPC1-related disorder. Also called: NPC1-related condition.

Submission:

PreventionGenetics, part of Exact Sciences
Classification: Likely benign for NPC1-related condition. Last evaluated: 2024-08-26. Review status: no assertion criteria provided. Collection method: clinical testing. Allele origin: germline.
Comment: This variant is classified as likely benign based on ACMG/AMP sequence variant interpretation guidelines (Richards et al. 2015 PMID: 25741868, with internal and published modifications).

NM_000271.5(NPC1):c.582C>T (p.Phe194=)

Gene: NPC1 (NPC intracellular cholesterol transporter 1; minus strand). Cytogenetic location: 18q11.2.
Variant type: single nucleotide variant.
Coding change: c.582C>T on transcript NM_000271.5 (MANE Select); coding-DNA position 582, C replaced by T.
Protein change: p.Phe194=; no amino-acid change (phenylalanine 194 retained).
Molecular consequence: synonymous variant.
Genome position (GRCh38, 1-based): chr18:23,561,409, G>A on the plus strand (C>T on the coding strand, the complement: NPC1 is on the minus strand). VCF-style: chr18-23561409-G-A. GRCh37 (hg19) VCF-style: chr18-21141373-G-A.
Identifiers: ClinVar variation 3347082 (VCV003347082.1).